The following is an entry in ClinVar:

ClinVar aggregate classification (germline): Uncertain significance. Review status: criteria provided, multiple submitters, no conflicts (2 of 4 stars). 2 submissions from 2 submitters: Uncertain significance (2). Last evaluated 2026-01-25.

Conditions:
Hereditary cancer-predisposing syndrome. Also called: Neoplastic Syndromes, Hereditary; Tumor predisposition; Hereditary Cancer Syndrome; Hereditary neoplastic syndrome. Identifiers: Orphanet 140162, MedGen C0027672, MeSH D009386, MONDO:0015356.

Submissions (2):

Ambry Genetics
Classification: Uncertain significance for Hereditary cancer-predisposing syndrome. Last evaluated: 2026-01-25. Review status: criteria provided, single submitter. Criteria: Ambry Variant Classification Scheme 2023. Collection method: clinical testing. Allele origin: germline.
Comment: The p.E637D variant (also known as c.1911G>C), located in coding exon 14 of the MSH3 gene, results from a G to C substitution at nucleotide position 1911. The glutamic acid at codon 637 is replaced by aspartic acid, an amino acid with highly similar properties. This amino acid position is conserved. In addition, the in silico prediction for this alteration is inconclusive. Based on the available evidence, the clinical significance of this variant remains unclear.

Labcorp Genetics (formerly Invitae), Labcorp
Classification: Uncertain significance. Last evaluated: 2025-09-27. Review status: criteria provided, single submitter. Criteria: Invitae Variant Classification Sherloc (09022015). Collection method: clinical testing. Allele origin: germline.
Comment: This sequence change replaces glutamic acid, which is acidic and polar, with aspartic acid, which is acidic and polar, at codon 637 of the MSH3 protein (p.Glu637Asp). This variant is not present in population databases (gnomAD no frequency). This variant has not been reported in the literature in individuals affected with MSH3-related conditions. An algorithm developed to predict the effect of missense changes on protein structure and function (PolyPhen-2) suggests that this variant is likely to be disruptive. In summary, the available evidence is currently insufficient to determine the role of this variant in disease. Therefore, it has been classified as a Variant of Uncertain Significance.

NM_002439.5(MSH3):c.1911G>C (p.Glu637Asp)

Gene: MSH3 (mutS homolog 3; plus strand). Cytogenetic location: 5q14.1.
Variant type: single nucleotide variant.
Coding change: c.1911G>C on transcript NM_002439.5 (MANE Select); coding-DNA position 1911, G replaced by C.
Protein change: p.Glu637Asp; replaces glutamic acid 637 with aspartic acid.
Molecular consequence: missense variant.
Genome position (GRCh38, 1-based): chr5:80,767,947, G>C. VCF-style: chr5-80767947-G-C. GRCh37 (hg19) VCF-style: chr5-80063766-G-C.
Other names: c.1911G>C (NM_002439.3); short protein forms E637D.
Identifiers: ClinVar variation 4727901 (VCV004727901.2).